The following is an entry in ClinVar:

NM_013276.4(SHPK):c.288_292del (p.Val97fs)

Gene: SHPK (sedoheptulokinase; minus strand). Cytogenetic location: 17p13.2.
Variant type: Deletion.
Coding change: c.288_292del on transcript NM_013276.4 (MANE Select); coding-DNA positions 288 to 292, 5 bases deleted (CGTGT; older notation c.288_292delCGTGT).
Protein change: p.Val97fs; shifts the reading frame from valine 97.
Molecular consequence: frameshift variant.
Genome position (GRCh38, 1-based): chr17:3,630,223-3,630,227, ACACG deleted on the plus strand (CGTGT on the coding strand, the reverse complement: SHPK is on the minus strand); deleting any 5 consecutive bases within chr17:3,630,223-3,630,229 gives the same sequence; the c. name uses the placement nearest the transcript's 3' end. VCF-style (leftmost placement, unchanged base first): chr17-3630222-AACACG-A. GRCh37 (hg19) VCF-style: chr17-3533516-AACACG-A.
Other names: short protein forms V97fs.
Identifiers: ClinVar variation 1386606 (VCV001386606.5), dbSNP rs773139080, ClinGen allele CA8291384.
Genomic context (GRCh38, chr17:3,630,222, plus strand): 5'-AGTGACTGCTACCAGCCTGAGAGCATCCCCGAGCCCAGCATACCTTGGCCTGTTTTCCAA[AACACG>A]ACTCCATGCATCTGGCCCGACACCCCGATGCCCACGACGCTCCGGAGCTGGGGTCGGGGA-3'

ClinVar aggregate classification (germline): Uncertain significance (1 of 4 stars; one submission).

Submission:

Labcorp Genetics (formerly Invitae), Labcorp
Classification: Uncertain significance. Last evaluated: 2024-02-24. Review status: criteria provided, single submitter. Criteria: Invitae Variant Classification Sherloc (09022015). Collection method: clinical testing. Allele origin: germline.
Comment: This sequence change creates a premature translational stop signal (p.Val97Leufs*8) in the SHPK gene. It is expected to result in an absent or disrupted protein product. However, the current clinical and genetic evidence is not sufficient to establish whether loss-of-function variants in SHPK cause disease. This variant is present in population databases (rs773139080, gnomAD 0.003%). This variant has not been reported in the literature in individuals affected with SHPK-related conditions. ClinVar contains an entry for this variant (Variation ID: 1386606). In summary, the available evidence is currently insufficient to determine the role of this variant in disease. Therefore, it has been classified as a Variant of Uncertain Significance.